The following is an entry in ClinVar:

ClinVar aggregate classification (germline): Conflicting classifications of pathogenicity. Review status: criteria provided, conflicting classifications (1 of 4 stars). 3 submissions from 3 submitters: Uncertain significance (2); Likely benign (1). Last evaluated 2024-08-08.

Conditions:
Hereditary cancer-predisposing syndrome. Also called: Hereditary Cancer Syndrome; Neoplastic Syndromes, Hereditary; Tumor predisposition; Hereditary neoplastic syndrome. Identifiers: Orphanet 140162, MedGen C0027672, MeSH D009386, MONDO:0015356.
Hereditary breast ovarian cancer syndrome. Also called: Hereditary breast and ovarian cancer syndrome; Hereditary breast and ovarian cancer; Hereditary breast and ovarian cancer syndrome (HBOC); Breast and ovarian cancer; Hereditary breast and/or ovarian cancer syndrome; BRCA1- and BRCA2-Associated Hereditary Breast and Ovarian Cancer. Identifiers: Orphanet 145, MedGen C0677776, MeSH D061325, MONDO:0003582. Disease mechanism: loss of function.

Submissions (3):

Labcorp Genetics (formerly Invitae), Labcorp
Classification: Uncertain significance for Hereditary breast ovarian cancer syndrome. Last evaluated: 2024-08-08. Review status: criteria provided, single submitter. Criteria: Invitae Variant Classification Sherloc (09022015). Collection method: clinical testing. Allele origin: germline.
Comment: This sequence change replaces serine, which is neutral and polar, with arginine, which is basic and polar, at codon 1050 of the BRCA1 protein (p.Ser1050Arg). This variant is not present in population databases (gnomAD no frequency). This variant has not been reported in the literature in individuals affected with BRCA1-related conditions. ClinVar contains an entry for this variant (Variation ID: 481491). Advanced modeling of protein sequence and biophysical properties (such as structural, functional, and spatial information, amino acid conservation, physicochemical variation, residue mobility, and thermodynamic stability) performed at Invitae indicates that this missense variant is not expected to disrupt BRCA1 protein function with a negative predictive value of 95%. In summary, the available evidence is currently insufficient to determine the role of this variant in disease. Therefore, it has been classified as a Variant of Uncertain Significance.

University of Washington Department of Laboratory Medicine, University of Washington
Classification: Likely benign for Hereditary cancer-predisposing syndrome. Last evaluated: 2023-03-23. Review status: criteria provided, single submitter. Criteria: Dines et al. (Genet Med. 2020). Collection method: curation. Allele origin: germline.
Comment: Missense variant in a coldspot region where missense variants are very unlikely to be pathogenic (PMID:31911673).

BRCA1 coldspot (exon 11 using historical exon numbering). Reclassification based on statistical prior probability

Ambry Genetics
Classification: Uncertain significance for Hereditary cancer-predisposing syndrome. Last evaluated: 2017-09-15. Review status: criteria provided, single submitter. Criteria: Ambry Variant Classification Scheme 2023. Collection method: clinical testing. Allele origin: germline.
Comment: The p.S1050R variant (also known as c.3150T>G), located in coding exon 9 of the BRCA1 gene, results from a T to G substitution at nucleotide position 3150. The serine at codon 1050 is replaced by arginine, an amino acid with dissimilar properties. This amino acid position is conserved on limited sequence alignment. In addition, the in silico prediction for this alteration is inconclusive. Since supporting evidence is limited at this time, the clinical significance of this alteration remains unclear.

NM_007294.4(BRCA1):c.3150T>G (p.Ser1050Arg)

Gene: BRCA1 (BRCA1 DNA repair associated; minus strand). Cytogenetic location: 17q21.31.
Variant type: single nucleotide variant.
Coding change: c.3150T>G on transcript NM_007294.4 (MANE Select); coding-DNA position 3150, T replaced by G.
Protein change: p.Ser1050Arg; replaces serine 1050 with arginine.
Molecular consequence: missense variant. On other transcripts: intron variant (137).
Genome position (GRCh38, 1-based): chr17:43,092,381, A>C on the plus strand (T>G on the coding strand, the complement: BRCA1 is on the minus strand). VCF-style: chr17-43092381-A-C. GRCh37 (hg19) VCF-style: chr17-41244398-A-C.
Other names: c.788-1349T>G (NM_001407974.1, NM_001407973.1, NM_001408403.1 and 17 more transcripts); c.788-242T>G (NM_001407969.1, NM_001407968.1); c.578-1349T>G (NM_001408492.1, NM_001408513.1, NM_001408489.1 and 9 more transcripts); c.644-1349T>G (NM_001408468.1, NM_001408465.1, NM_001408463.1 and 3 more transcripts); c.524-1349T>G (NM_001408501.1, NM_001408500.1, NM_001408497.1 and 3 more transcripts); c.647-1349T>G (NM_001408455.1, NM_001408466.1, NM_001408452.1 and 11 more transcripts); c.521-1349T>G (NM_001408503.1, NM_001408505.1, NM_001408504.1); c.404-1349T>G (NM_001408511.1); and 41 more; short protein forms S1050R, S1003R, S1023R, S1049R, S982R, S922R, S923R, S983R.
Identifiers: ClinVar variation 481491 (VCV000481491.17), dbSNP rs1555588305, ClinGen allele CA10595681.